The following is an entry in ClinVar:

NM_020632.3(ATP6V0A4):c.977G>A (p.Trp326Ter)

Gene: ATP6V0A4 (ATPase H+ transporting V0 subunit a4; minus strand). Cytogenetic location: 7q34.
Variant type: single nucleotide variant.
Coding change: c.977G>A on transcript NM_020632.3 (MANE Select); coding-DNA position 977, G replaced by A.
Protein change: p.Trp326Ter; replaces tryptophan 326 with a stop codon.
Molecular consequence: nonsense.
Genome position (GRCh38, 1-based): chr7:138,752,677, C>T on the plus strand (G>A on the coding strand, the complement: ATP6V0A4 is on the minus strand). VCF-style: chr7-138752677-C-T. GRCh37 (hg19) VCF-style: chr7-138437422-C-T.
Other names: c.977G>A, p.Trp326Ter (NM_130840.3, NM_130841.3); short protein forms W326*.
Identifiers: ClinVar variation 3256909 (VCV003256909.3).
Genomic context (GRCh38, chr7:138,752,677, plus strand): 5'-CCACGCACCATGCCTTGCTCCAGTGCCCTCTTGATACGTGTGGCATCTGCCACCGGGAAC[C>T]AGATCTCGGCGATGACACACTGCTGGGTGACGTCGATGTTGCACATGTTCAGGATGTGGT-3'

ClinVar aggregate classification (germline): Pathogenic/Likely pathogenic. Review status: criteria provided, multiple submitters, no conflicts (2 of 4 stars). 3 submissions from 3 submitters: Pathogenic (2); Likely pathogenic (1). Last evaluated 2024-09-28.

Conditions:
Renal tubular acidosis, distal, 3, with or without sensorineural hearing loss (DRTA3). Identifiers: MedGen C5399980, MONDO:0011268, OMIM 602722.

Submissions (3):

3billion
Classification: Pathogenic for Renal tubular acidosis, distal, 3, with or without sensorineural hearing loss. Last evaluated: 2024-09-28. Review status: criteria provided, single submitter. Criteria: ACMG Guidelines, 2015. Collection method: clinical testing. Allele origin: germline. Affected: yes.
Comment: The variant is not observed in the gnomAD v4.1.0 dataset. Predicted Consequence/Location: Stop-gained (nonsense): predicted to result in a loss or disruption of normal protein function through nonsense-mediated decay (NMD) or protein truncation. Multiple pathogenic variants are reported downstream of the variant. The variant has been reported to be associated with ATP6V0A4 related disorder (ClinVar ID: VCV003256909). Therefore, this variant is classified as Pathogenic according to the recommendation of ACMG/AMP guideline.

MVZ Medizinische Genetik Mainz
Classification: Pathogenic for Renal tubular acidosis, distal, 3, with or without sensorineural hearing loss. Last evaluated: 2024-06-18. Review status: criteria provided, single submitter. Criteria: UK Practice Guidelines For Variant Classification V4 01 2020. Collection method: clinical testing. Allele origin: germline. Inheritance: Autosomal recessive inheritance. Affected: yes. Observed: 1 variant allele.
Comment: ACMG Criteria: PVS1,PM2_SUP,PM3_SUP

Fulgent Genetics
Classification: Likely pathogenic for Renal tubular acidosis, distal, 3, with or without sensorineural hearing loss. Last evaluated: 2024-01-10. Review status: criteria provided, single submitter. Criteria: ACMG Guidelines, 2015. Collection method: clinical testing. Allele origin: germline.